The following is an entry in ClinVar:

ClinVar aggregate classification (germline): Conflicting classifications of pathogenicity. Review status: criteria provided, conflicting classifications (1 of 4 stars). 2 submissions from 2 submitters: Uncertain significance (1); Likely benign (1). Last evaluated 2025-04-07.

Conditions:
Renal cell carcinoma. Identifiers: Orphanet 217071, MedGen C0007134, MeSH D002292, MONDO:0005086, HP:0005584.
Hereditary cancer-predisposing syndrome. Also called: Hereditary neoplastic syndrome; Neoplastic Syndromes, Hereditary; Tumor predisposition; Hereditary Cancer Syndrome. Identifiers: Orphanet 140162, MedGen C0027672, MeSH D009386, MONDO:0015356.

Allele frequency attached by ClinVar (database versions not stated): gnomAD exomes below 0.00001.
gnomAD v4.1: 1 of 1,602,554 alleles (0.000062%); highest among the groups gnomAD compares: Non-Finnish European, 0.000085%; no homozygotes.

Submissions (2):

Ambry Genetics
Classification: Likely benign for Hereditary cancer-predisposing syndrome. Last evaluated: 2025-04-07. Review status: criteria provided, single submitter. Criteria: Ambry Variant Classification Scheme 2023. Collection method: clinical testing. Allele origin: germline.

Labcorp Genetics (formerly Invitae), Labcorp
Classification: Uncertain significance for Renal cell carcinoma. Last evaluated: 2024-11-05. Review status: criteria provided, single submitter. Criteria: Invitae Variant Classification Sherloc (09022015). Collection method: clinical testing. Allele origin: germline.
Comment: This sequence change replaces glutamine, which is neutral and polar, with arginine, which is basic and polar, at codon 387 of the MET protein (p.Gln387Arg). This variant is not present in population databases (gnomAD no frequency). This variant has not been reported in the literature in individuals affected with MET-related conditions. ClinVar contains an entry for this variant (Variation ID: 942427). Invitae Evidence Modeling of protein sequence and biophysical properties (such as structural, functional, and spatial information, amino acid conservation, physicochemical variation, residue mobility, and thermodynamic stability) indicates that this missense variant is not expected to disrupt MET protein function with a negative predictive value of 80%. In summary, the available evidence is currently insufficient to determine the role of this variant in disease. Therefore, it has been classified as a Variant of Uncertain Significance.

NM_000245.4(MET):c.1160A>G (p.Gln387Arg)

Gene: MET (MET proto-oncogene, receptor tyrosine kinase; plus strand). Cytogenetic location: 7q31.2.
Variant type: single nucleotide variant.
Coding change: c.1160A>G on transcript NM_000245.4 (MANE Select); coding-DNA position 1160, A replaced by G.
Protein change: p.Gln387Arg; replaces glutamine 387 with arginine.
Molecular consequence: missense variant. On other transcripts: intron variant (1).
Genome position (GRCh38, 1-based): chr7:116,700,244, A>G. VCF-style: chr7-116700244-A-G. GRCh37 (hg19) VCF-style: chr7-116340298-A-G.
Other names: c.1160A>G, p.Gln387Arg (NM_001127500.3, NM_001324401.3); c.-91+27667A>G (NM_001324402.2); short protein forms Q387R.
Identifiers: ClinVar variation 942427 (VCV000942427.12), dbSNP rs1791523699, ClinGen allele CA368970673.